The following is an entry in ClinVar:

ClinVar aggregate classification (germline): Uncertain significance (1 of 4 stars; one submission).

Conditions:
Bailey-Bloch congenital myopathy (CMYO13). Also called: Native American myopathy; STAC3 disorder; Congenital myopathy 13. Identifiers: Orphanet 168572, MedGen C1850625, MONDO:0009722, OMIM 255995.

Submission:

Labcorp Genetics (formerly Invitae), Labcorp
Classification: Uncertain significance for Bailey-Bloch congenital myopathy. Last evaluated: 2022-05-20. Review status: criteria provided, single submitter. Criteria: Invitae Variant Classification Sherloc (09022015). Collection method: clinical testing. Allele origin: germline.
Comment: In summary, the available evidence is currently insufficient to determine the role of this variant in disease. Therefore, it has been classified as a Variant of Uncertain Significance. Algorithms developed to predict the effect of missense changes on protein structure and function (SIFT, PolyPhen-2, Align-GVGD) all suggest that this variant is likely to be tolerated. ClinVar contains an entry for this variant (Variation ID: 465660). This variant has not been reported in the literature in individuals affected with STAC3-related conditions. This variant is not present in population databases (gnomAD no frequency). This sequence change replaces alanine, which is neutral and non-polar, with threonine, which is neutral and polar, at codon 163 of the STAC3 protein (p.Ala163Thr).

NM_145064.3(STAC3):c.487G>A (p.Ala163Thr)

Gene: STAC3 (SH3 and cysteine rich domain 3; minus strand). Cytogenetic location: 12q13.3.
Variant type: single nucleotide variant.
Coding change: c.487G>A on transcript NM_145064.3 (MANE Select); coding-DNA position 487, G replaced by A.
Protein change: p.Ala163Thr; replaces alanine 163 with threonine.
Molecular consequence: missense variant. On other transcripts: 5 prime UTR variant (1), non-coding transcript variant (1).
Genome position (GRCh38, 1-based): chr12:57,248,144, C>T on the plus strand (G>A on the coding strand, the complement: STAC3 is on the minus strand). VCF-style: chr12-57248144-C-T. GRCh37 (hg19) VCF-style: chr12-57641927-C-T.
Other names: c.370G>A, p.Ala124Thr (NM_001286256.2); c.-72G>A (NM_001286257.2); short protein forms A163T, A124T.
Identifiers: ClinVar variation 465660 (VCV000465660.11), dbSNP rs1555194487, ClinGen allele CA385415275.